The following is an entry in ClinVar:

ClinVar aggregate classification (germline): Benign. Review status: criteria provided, multiple submitters, no conflicts (2 of 4 stars). 9 submissions from 9 submitters: Benign (8). 1 of the submissions does not count toward it. Last evaluated 2026-02-04.

Conditions:
Biotin-responsive basal ganglia disease (BTBGD). Also called: Thiamine metabolism dysfunction syndrome type 2; Thiamine Transporter-2 Deficiency; Thiamine metabolism dysfunction syndrome 2 (biotin- or thiamine-responsive encephalopathy type 2); thiamine-responsive encephalopathy; THIAMINE METABOLISM DYSFUNCTION SYNDROME 2 (BIOTIN- AND THIAMINE-RESPONSIVE TYPE). Identifiers: Orphanet 199348, Orphanet 65284, MedGen C1843807, MONDO:0011841, OMIM 607483.

Allele frequency attached by ClinVar (database versions not stated): ExAC 0.01313; gnomAD 0.04166 and 0.04500; TOPMed 0.04593; 1000 Genomes Project 0.04653; ESP Exome Variant Server 0.04682; 1000 Genomes Project 30x 0.05231.
gnomAD v4.1: 12,294 of 1,613,926 alleles (0.76%); highest among the groups gnomAD compares: African/African-American, 14%; 759 homozygotes.

Submissions (9):

Labcorp Genetics (formerly Invitae), Labcorp
Classification: Benign for Biotin-responsive basal ganglia disease. Last evaluated: 2026-02-04. Review status: criteria provided, single submitter. Criteria: Invitae Variant Classification Sherloc (09022015). Collection method: clinical testing. Allele origin: germline.

Blueprint Genetics
Classification: Benign. Last evaluated: 2024-11-25. Review status: criteria provided, single submitter. Criteria: ACMG Guidelines, 2015. Collection method: clinical testing. Allele origin: germline.

Athena Diagnostics
Classification: Benign. Last evaluated: 2024-06-04. Review status: criteria provided, single submitter. Criteria: Athena Diagnostics Criteria. Collection method: clinical testing. Allele origin: unknown.

Mayo Clinic Laboratories, Mayo Clinic
Classification: Benign. Last evaluated: 2022-03-22. Review status: criteria provided, single submitter. Criteria: ACMG Guidelines, 2015. Collection method: clinical testing. Allele origin: germline. Observed: 54 variant alleles.

Illumina Laboratory Services, Illumina
Classification: Benign for Biotin-responsive basal ganglia disease. Last evaluated: 2018-01-12. Review status: criteria provided, single submitter. Criteria: ICSL Variant Classification Criteria 13 December 2019. Collection method: clinical testing. Allele origin: germline.
Comment: This variant was observed in the ICSL laboratory as part of a predisposition screen in an ostensibly healthy population. It had not been previously curated by ICSL or reported in the Human Gene Mutation Database (HGMD: prior to June 1st, 2018), and was therefore a candidate for classification through an automated scoring system. Utilizing variant allele frequency, disease prevalence and penetrance estimates, and inheritance mode, an automated score was calculated to assess if this variant is too frequent to cause the disease. Based on the score and internal cut-off values, a variant classified as benign is not then subjected to further curation. The score for this variant resulted in a classification of benign for this disease.

GeneDx
Classification: Benign. Last evaluated: 2014-02-04. Review status: criteria provided, single submitter. Criteria: GeneDx Variant Classification (06012015). Collection method: clinical testing. Allele origin: germline. Affected: yes.
Comment: This variant is considered likely benign or benign based on one or more of the following criteria: it is a conservative change, it occurs at a poorly conserved position in the protein, it is predicted to be benign by multiple in silico algorithms, and/or has population frequency not consistent with disease.

Breakthrough Genomics
Classification: Benign. Review status: criteria provided, single submitter. Criteria: ACMG Guidelines, 2015. Collection method: not provided. Allele origin: germline. Inheritance: Autosomal recessive inheritance. Affected: yes.

PreventionGenetics, part of Exact Sciences
Classification: Benign. Review status: criteria provided, single submitter. Criteria: ACMG Guidelines, 2015. Collection method: clinical testing. Allele origin: germline.

Genetic Services Laboratory, University of Chicago
Classification: Likely benign for AllHighlyPenetrant. Review status: no assertion criteria provided. Collection method: clinical testing. Allele origin: germline. Inheritance: Autosomal recessive inheritance. Not counted in ClinVar's aggregate classification.
Comment: Likely benign based on allele frequency in 1000 Genomes Project or ESP global frequency and its presence in a patient with a rare or unrelated disease phenotype. NOT Sanger confirmed.

NM_025243.4(SLC19A3):c.435C>T (p.Ser145=)

Gene: SLC19A3 (solute carrier family 19 member 3; minus strand). Cytogenetic location: 2q36.3.
Variant type: single nucleotide variant.
Coding change: c.435C>T on transcript NM_025243.4 (MANE Select); coding-DNA position 435, C replaced by T.
Protein change: p.Ser145=; no amino-acid change (serine 145 retained).
Molecular consequence: synonymous variant.
Genome position (GRCh38, 1-based): chr2:227,699,280, G>A on the plus strand (C>T on the coding strand, the complement: SLC19A3 is on the minus strand). VCF-style: chr2-227699280-G-A. GRCh37 (hg19) VCF-style: chr2-228563996-G-A.
Other names: p.S145S:AGC>AGT; p.Ser145=.
Identifiers: ClinVar variation 130323 (VCV000130323.23), dbSNP rs76517176, ClinGen allele CA289049.